The following is an entry in ClinVar:

NM_000252.3(MTM1):c.233A>T (p.Asp78Val)

Gene: MTM1 (myotubularin 1; plus strand). Cytogenetic location: Xq28.
Variant type: single nucleotide variant.
Coding change: c.233A>T on transcript NM_000252.3 (MANE Select); coding-DNA position 233, A replaced by T.
Protein change: p.Asp78Val; replaces aspartic acid 78 with valine.
Molecular consequence: missense variant. On other transcripts: intron variant (1).
Genome position (GRCh38, 1-based): chrX:150,614,590, A>T. VCF-style: chrX-150614590-A-T. GRCh37 (hg19) VCF-style: chrX-149783063-A-T.
Other names: c.233A>T, p.Asp78Val (NM_001376906.1, NM_001376908.1); c.232-4448A>T (NM_001376907.1); short protein forms D78V.
Identifiers: ClinVar variation 663663 (VCV000663663.12), dbSNP rs782215492, ClinGen allele CA337090989.

ClinVar aggregate classification (germline): Uncertain significance. Review status: criteria provided, multiple submitters, no conflicts (2 of 4 stars). 3 submissions from 3 submitters: Uncertain significance (2). 1 of the submissions does not count toward it. Last evaluated 2025-07-16.

Conditions:
Inborn genetic diseases. Identifiers: MedGen C0950123, MeSH D030342.
Severe X-linked myotubular myopathy (CNMX). Also called: MYOTUBULAR MYOPATHY 1; X-linked centronuclear myopathy; Myotubular myopathy, X-linked. Identifiers: Orphanet 596, MedGen C0410203, MONDO:0010683, OMIM 310400.

Allele frequency attached by ClinVar (database versions not stated): gnomAD 0.00002; TOPMed 0.00005; 1000 Genomes Project 30x 0.00021; 1000 Genomes Project 0.00026.
gnomAD v4.1: 4 of 1,153,400 alleles (0.00035%); highest among the groups gnomAD compares: Admixed American, 0.0022%; no homozygotes.

Submissions (3):

Ambry Genetics
Classification: Uncertain significance for Inborn genetic diseases. Last evaluated: 2025-07-16. Review status: criteria provided, single submitter. Criteria: Ambry Variant Classification Scheme 2023. Collection method: clinical testing. Allele origin: germline.

Labcorp Genetics (formerly Invitae), Labcorp
Classification: Uncertain significance for Severe X-linked myotubular myopathy. Last evaluated: 2022-03-19. Review status: criteria provided, single submitter. Criteria: Invitae Variant Classification Sherloc (09022015). Collection method: clinical testing. Allele origin: germline.
Comment: This sequence change replaces aspartic acid, which is acidic and polar, with valine, which is neutral and non-polar, at codon 78 of the MTM1 protein (p.Asp78Val). This variant is not present in population databases (gnomAD no frequency). This variant has not been reported in the literature in individuals affected with MTM1-related conditions. ClinVar contains an entry for this variant (Variation ID: 663663). Algorithms developed to predict the effect of missense changes on protein structure and function are either unavailable or do not agree on the potential impact of this missense change (SIFT: "Deleterious"; PolyPhen-2: "Possibly Damaging"; Align-GVGD: "Class C0"). In summary, the available evidence is currently insufficient to determine the role of this variant in disease. Therefore, it has been classified as a Variant of Uncertain Significance.

Natera, Inc.
Classification: Uncertain significance for Severe X-linked myotubular myopathy. Last evaluated: 2021-06-21. Review status: no assertion criteria provided. Collection method: clinical testing. Allele origin: germline. Not counted in ClinVar's aggregate classification.